The following is an entry in ClinVar:

NM_175614.5(NDUFA11):c.106G>A (p.Ala36Thr)

Gene: NDUFA11 (NADH:ubiquinone oxidoreductase subunit A11; minus strand). Cytogenetic location: 19p13.3.
Variant type: single nucleotide variant.
Coding change: c.106G>A on transcript NM_175614.5 (MANE Select); coding-DNA position 106, G replaced by A.
Protein change: p.Ala36Thr; replaces alanine 36 with threonine.
Molecular consequence: missense variant. On other transcripts: non-coding transcript variant (1).
Genome position (GRCh38, 1-based): chr19:5,896,989, C>T on the plus strand (G>A on the coding strand, the complement: NDUFA11 is on the minus strand). VCF-style: chr19-5896989-C-T. GRCh37 (hg19) VCF-style: chr19-5897000-C-T.
Other names: c.106G>A, p.Ala36Thr (NM_001193375.3); c.106G>A (NM_001193375.1); short protein forms A36T.
Identifiers: ClinVar variation 2147714 (VCV002147714.7), dbSNP rs564091469, ClinGen allele CA9119018.

ClinVar aggregate classification (germline): Uncertain significance. Review status: criteria provided, multiple submitters, no conflicts (2 of 4 stars). 2 submissions from 2 submitters: Uncertain significance (2). Last evaluated 2025-11-24.

Allele frequency attached by ClinVar (database versions not stated): ExAC 0.00002; gnomAD exomes 0.00003; gnomAD 0.00008; TOPMed 0.00008.
gnomAD v4.1: 64 of 1,613,794 alleles (0.004%); highest among the groups gnomAD compares: African/African-American, 0.0053%; no homozygotes.

Submissions (2):

Ambry Genetics
Classification: Uncertain significance. Last evaluated: 2025-11-24. Review status: criteria provided, single submitter. Criteria: Ambry Variant Classification Scheme 2023. Collection method: clinical testing. Allele origin: germline.

Labcorp Genetics (formerly Invitae), Labcorp
Classification: Uncertain significance. Last evaluated: 2022-10-17. Review status: criteria provided, single submitter. Criteria: Invitae Variant Classification Sherloc (09022015). Collection method: clinical testing. Allele origin: germline.
Comment: This sequence change replaces alanine, which is neutral and non-polar, with threonine, which is neutral and polar, at codon 36 of the NDUFA11 protein (p.Ala36Thr). This variant is present in population databases (rs564091469, gnomAD 0.004%). This variant has not been reported in the literature in individuals affected with NDUFA11-related conditions. Algorithms developed to predict the effect of missense changes on protein structure and function output the following: SIFT: "Tolerated"; PolyPhen-2: "Benign"; Align-GVGD: "Class C0". The threonine amino acid residue is found in multiple mammalian species, which suggests that this missense change does not adversely affect protein function. In summary, the available evidence is currently insufficient to determine the role of this variant in disease. Therefore, it has been classified as a Variant of Uncertain Significance.